The following is an entry in ClinVar:

NM_000038.6(APC):c.1605_1606del (p.Glu536fs)

Gene: APC (APC regulator of Wnt signaling pathway; plus strand). Cytogenetic location: 5q22.2.
Variant type: Deletion.
Coding change: c.1605_1606del on transcript NM_000038.6 (MANE Select); coding-DNA positions 1605 to 1606, 2 bases deleted (TG; older notation c.1605_1606delTG).
Protein change: p.Glu536fs; shifts the reading frame from glutamic acid 536.
Molecular consequence: frameshift variant.
Genome position (GRCh38, 1-based): chr5:112,827,985-112,827,986, TG deleted. VCF-style (leftmost placement, unchanged base first): chr5-112827984-CTG-C. GRCh37 (hg19) VCF-style: chr5-112163681-CTG-C.
Other names: c.1605_1606del, p.Glu536fs (NM_001127510.3, NM_001354895.2); c.1551_1552del, p.Glu518fs (NM_001127511.3); c.1659_1660del, p.Glu554fs (NM_001354896.2); c.1635_1636del, p.Glu546fs (NM_001354897.2); c.1530_1531del, p.Glu511fs (NM_001354898.2); c.1521_1522del, p.Glu508fs (NM_001354899.2); c.1482_1483del, p.Glu495fs (NM_001354900.2); c.1428_1429del, p.Glu477fs (NM_001354901.2); and 5 more; short protein forms E410fs, E508fs, E253fs, E376fs, E445fs, E495fs, E511fs, E536fs.
Identifiers: ClinVar variation 433624 (VCV000433624.4), dbSNP rs1554081906, ClinGen allele CA645372419.

ClinVar aggregate classification (germline): Pathogenic. Review status: criteria provided, multiple submitters, no conflicts (2 of 4 stars). 3 submissions from 3 submitters: Pathogenic (3). Last evaluated 2025-07-04.

Conditions:
Familial adenomatous polyposis 1 (FAP1). Also called: POLYPOSIS, ADENOMATOUS INTESTINAL; FAMILIAL ADENOMATOUS POLYPOSIS 1, ATTENUATED. Identifiers: MedGen C2713442, MONDO:0021056, OMIM 175100. Disease mechanism: loss of function.
Familial multiple polyposis syndrome (FAP). Also called: Familial adenomatous polyposis; Familial Adenomatous Polyposis (FAP); Familial intestinal polyposis; Familial polyposis; Classic familial adenomatous polyposis. Identifiers: Orphanet 733, MedGen C0032580, MONDO:0021055. Disease mechanism: loss of function.

Submissions (3):

Dipartimento Di Medicina Di Precisione, Università Degli Studi Della Campania Luigi Vanvitelli
Classification: Pathogenic for Familial multiple polyposis syndrome. Last evaluated: 2025-07-04. Review status: criteria provided, single submitter. Criteria: ACMG Guidelines, 2015. Collection method: clinical testing. Allele origin: germline. Inheritance: Autosomal dominant inheritance. Affected: yes. Observed: 3 variant alleles. Clinical features observed: Colorectal polyposis (HP:0200063), Desmoid tumour.
Comment: This novel 2-base pair deletion in exon 12 of the APC gene (c.1605_1606delTG) causes a frameshift resulting in a premature stop codon (p.Cys535Serfs*3).

Myriad Genetics, Inc.
Classification: Pathogenic for Familial adenomatous polyposis 1. Last evaluated: 2023-05-02. Review status: criteria provided, single submitter. Criteria: Myriad Autosomal Dominant, Autosomal Recessive and X-Linked Classification Criteria (2023). Collection method: clinical testing. Allele origin: unknown.
Comment: This variant is considered pathogenic. This variant creates a frameshift predicted to result in premature protein truncation.

Department of Pathology and Laboratory Medicine, Sinai Health System
Classification: Pathogenic for Familial multiple polyposis syndrome. Review status: criteria provided, single submitter. Criteria: ACMG Guidelines, 2015. Collection method: clinical testing. Allele origin: germline. Affected: yes. Study: Canadian Open Genetics Repository (COGR).

Literature cited by the submitters: PubMed 20963189 (cited by Dipartimento Di Medicina Di Precisione, Università Degli Studi Della Campania Luigi Vanvitelli).